The following is an entry in ClinVar:

NM_001330078.2(NRXN1):c.2274C>A (p.Thr758=)

Gene: NRXN1 (neurexin 1; minus strand). Cytogenetic location: 2p16.3.
Variant type: single nucleotide variant.
Coding change: c.2274C>A on transcript NM_001330078.2 (MANE Select); coding-DNA position 2274, C replaced by A.
Protein change: p.Thr758=; no amino-acid change (threonine 758 retained).
Molecular consequence: synonymous variant.
Genome position (GRCh38, 1-based): chr2:50,531,300, G>T on the plus strand (C>A on the coding strand, the complement: NRXN1 is on the minus strand). VCF-style: chr2-50531300-G-T. GRCh37 (hg19) VCF-style: chr2-50758438-G-T.
Other names: p.T798T:ACC>ACA; c.2394C>A, p.Thr798= (NM_001135659.3); c.2250C>A, p.Thr750= (NM_001330077.2, NM_001330082.2, NM_001330095.2); c.2235C>A, p.Thr745= (NM_001330083.2, NM_001330084.2); c.2274C>A, p.Thr758= (NM_001330085.2, NM_001330086.2, NM_004801.6); c.2190C>A, p.Thr730= (NM_001330087.2, NM_001330096.2); c.2220C>A, p.Thr740= (NM_001330088.2); c.2271C>A, p.Thr757= (NM_001330093.2); and 1 more.
Identifiers: ClinVar variation 206204 (VCV000206204.21), dbSNP rs78030925, ClinGen allele CA316060.

ClinVar aggregate classification (germline): Benign/Likely benign. Review status: criteria provided, multiple submitters, no conflicts (2 of 4 stars). 5 submissions from 5 submitters: Benign (1); Likely benign (4). Last evaluated 2026-01-05.

Conditions:
Inborn genetic diseases. Identifiers: MedGen C0950123, MeSH D030342.
Pitt-Hopkins-like syndrome 2 (PTHSL2). Identifiers: Orphanet 221150, Orphanet 600663, MedGen C3280479, MONDO:0013690, OMIM 614325.

Allele frequency attached by ClinVar (database versions not stated): ESP Exome Variant Server 0.00008; TOPMed 0.00008.
gnomAD v4.1: 60 of 1,613,492 alleles (0.0037%); highest among the groups gnomAD compares: Admixed American, 0.0083%; no homozygotes.

Submissions (5):

Labcorp Genetics (formerly Invitae), Labcorp
Classification: Likely benign for Pitt-Hopkins-like syndrome 2. Last evaluated: 2026-01-05. Review status: criteria provided, single submitter. Criteria: Invitae Variant Classification Sherloc (09022015). Collection method: clinical testing. Allele origin: germline.

CeGaT Center for Human Genetics Tuebingen
Classification: Likely benign. Last evaluated: 2025-11-01. Review status: criteria provided, single submitter. Criteria: CeGaT Center For Human Genetics Tuebingen Variant Classification Criteria Version 2. Collection method: clinical testing. Allele origin: germline. Affected: yes. Observed: 1 variant allele.
Comment: NRXN1: BP4

Blueprint Genetics
Classification: Likely benign. Last evaluated: 2023-08-11. Review status: criteria provided, single submitter. Criteria: ACMG Guidelines, 2015. Collection method: clinical testing. Allele origin: germline.

Ambry Genetics
Classification: Likely benign for Inborn genetic diseases. Last evaluated: 2016-06-16. Review status: criteria provided, single submitter. Criteria: Ambry Variant Classification Scheme 2023. Collection method: clinical testing. Allele origin: germline.

GeneDx
Classification: Benign. Last evaluated: 2014-12-23. Review status: criteria provided, single submitter. Criteria: GeneDx Variant Classification (06012015). Collection method: clinical testing. Allele origin: germline. Affected: yes.
Comment: This variant is considered likely benign or benign based on one or more of the following criteria: it is a conservative change, it occurs at a poorly conserved position in the protein, it is predicted to be benign by multiple in silico algorithms, and/or has population frequency not consistent with disease.